The following is an entry in ClinVar:

ClinVar aggregate classification (germline): Uncertain significance. Review status: criteria provided, multiple submitters, no conflicts (2 of 4 stars). 2 submissions from 2 submitters: Uncertain significance (2). Last evaluated 2024-05-28.

Conditions:
Inborn genetic diseases. Identifiers: MedGen C0950123, MeSH D030342.

Allele frequency attached by ClinVar (database versions not stated): gnomAD 0.00001; TOPMed 0.00002; ExAC 0.00003; gnomAD exomes 0.00003.
gnomAD v4.1: 37 of 1,592,764 alleles (0.0023%); highest among the groups gnomAD compares: East Asian, 0.0067%; no homozygotes.

Submissions (2):

Labcorp Genetics (formerly Invitae), Labcorp
Classification: Uncertain significance. Last evaluated: 2024-05-28. Review status: criteria provided, single submitter. Criteria: Invitae Variant Classification Sherloc (09022015). Collection method: clinical testing. Allele origin: germline.
Comment: This sequence change replaces glycine, which is neutral and non-polar, with serine, which is neutral and polar, at codon 550 of the COL8A2 protein (p.Gly550Ser). This variant is present in population databases (rs745415315, gnomAD 0.003%). This variant has not been reported in the literature in individuals affected with COL8A2-related conditions. ClinVar contains an entry for this variant (Variation ID: 1988486). An algorithm developed to predict the effect of missense changes on protein structure and function (PolyPhen-2) suggests that this variant is likely to be tolerated. In summary, the available evidence is currently insufficient to determine the role of this variant in disease. Therefore, it has been classified as a Variant of Uncertain Significance.

Ambry Genetics
Classification: Uncertain significance for Inborn genetic diseases. Last evaluated: 2024-04-24. Review status: criteria provided, single submitter. Criteria: Ambry Variant Classification Scheme 2023. Collection method: clinical testing. Allele origin: germline.

NM_005202.4(COL8A2):c.1648G>A (p.Gly550Ser)

Gene: COL8A2 (collagen type VIII alpha 2 chain; minus strand). Cytogenetic location: 1p34.3.
Variant type: single nucleotide variant.
Coding change: c.1648G>A on transcript NM_005202.4 (MANE Select); coding-DNA position 1648, G replaced by A.
Protein change: p.Gly550Ser; replaces glycine 550 with serine.
Molecular consequence: missense variant.
Genome position (GRCh38, 1-based): chr1:36,098,033, C>T on the plus strand (G>A on the coding strand, the complement: COL8A2 is on the minus strand). VCF-style: chr1-36098033-C-T. GRCh37 (hg19) VCF-style: chr1-36563634-C-T.
Other names: c.1453G>A, p.Gly485Ser (NM_001294347.2); c.1648G>A (NM_005202.2); short protein forms G550S, G485S.
Identifiers: ClinVar variation 1988486 (VCV001988486.5), dbSNP rs745415315, ClinGen allele CA764912.